The following is an entry in ClinVar:

ClinVar aggregate classification (germline): Likely benign (1 of 4 stars; one submission).

Allele frequency attached by ClinVar (database versions not stated): ExAC 0.00016; gnomAD 0.00020; TOPMed 0.00020; ESP Exome Variant Server 0.00046.
gnomAD v4.1: 241 of 1,614,030 alleles (0.015%); highest among the groups gnomAD compares: Non-Finnish European, 0.014%; no homozygotes.

Submission:

CeGaT Center for Human Genetics Tuebingen
Classification: Likely benign. Last evaluated: 2026-03-01. Review status: criteria provided, single submitter. Criteria: CeGaT Center For Human Genetics Tuebingen Variant Classification Criteria Version 2. Collection method: clinical testing. Allele origin: germline. Affected: yes. Observed: 3 variant alleles.
Comment: LTBP1: BP4, BP7

NM_206943.4(LTBP1):c.3921G>C (p.Gly1307=)

Gene: LTBP1 (latent transforming growth factor beta binding protein 1; plus strand). Cytogenetic location: 2p22.3.
Variant type: single nucleotide variant.
Coding change: c.3921G>C on transcript NM_206943.4 (MANE Select); coding-DNA position 3921, G replaced by C.
Protein change: p.Gly1307=; no amino-acid change (glycine 1307 retained).
Molecular consequence: synonymous variant. On other transcripts: intron variant (6).
Genome position (GRCh38, 1-based): chr2:33,347,431, G>C. VCF-style: chr2-33347431-G-C. GRCh37 (hg19) VCF-style: chr2-33572498-G-C.
Other names: c.2814G>C, p.Gly938= (NM_001394910.1, NM_001394911.1); c.2781G>C, p.Gly927= (NM_001394913.1); c.2733G>C, p.Gly911= (NM_001394914.1, NM_001394915.1); c.2700G>C, p.Gly900= (NM_001394916.1); c.2691G>C, p.Gly897= (NM_001394917.1); c.2658G>C, p.Gly886= (NM_001394920.1, NM_001166266.2); c.2655G>C, p.Gly885= (NM_001394921.1); c.2538G>C, p.Gly846= (NM_001394923.1); and 14 more.
Identifiers: ClinVar variation 2650820 (VCV002650820.24), dbSNP rs62148933, ClinGen allele CA1607959.
Genomic context (GRCh38, chr2:33,347,431, plus strand): 5'-GAATGAATGTGAACTGCTCAGTGGGGTGTGTGGTGAAGCCTTCTGTGAAAACGTGGAAGG[G>C]TCCTTCCTGTGCGTGTGTGCTGATGAAAACCAAGAGTACAGCCCCATGACTGGGCAGTGC-3'
Protein context (NP_996826.3, residues 1297-1317): CGEAFCENVE[Gly1307=]SFLCVCADEN